The following is an entry in ClinVar:

NM_020693.4(DSCAML1):c.937+3G>A

Gene: DSCAML1 (DS cell adhesion molecule like 1; minus strand). Cytogenetic location: 11q23.3.
Variant type: single nucleotide variant.
Coding change: c.937+3G>A on transcript NM_020693.4 (MANE Select); 3 bases into the intron after coding-DNA position 937, G replaced by A.
Molecular consequence: intron variant.
Genome position (GRCh38, 1-based): chr11:117,524,802, C>T on the plus strand (G>A on the coding strand, the complement: DSCAML1 is on the minus strand). VCF-style: chr11-117524802-C-T. GRCh37 (hg19) VCF-style: chr11-117395517-C-T.
Other names: c.937+3G>A (NM_001367904.1); c.529+3G>A (NM_001367905.1).
Identifiers: ClinVar variation 2089803 (VCV002089803.4), dbSNP rs2543279789, ClinGen allele CA2580083663.

ClinVar aggregate classification (germline): Uncertain significance (1 of 4 stars; one submission).

Submission:

Labcorp Genetics (formerly Invitae), Labcorp
Classification: Uncertain significance. Last evaluated: 2022-01-26. Review status: criteria provided, single submitter. Criteria: Invitae Variant Classification Sherloc (09022015). Collection method: clinical testing. Allele origin: germline.
Comment: In summary, the available evidence is currently insufficient to determine the role of this variant in disease. Therefore, it has been classified as a Variant of Uncertain Significance. Variants that disrupt the consensus splice site are a relatively common cause of aberrant splicing (PMID: 17576681, 9536098). Algorithms developed to predict the effect of sequence changes on RNA splicing suggest that this variant is not likely to affect RNA splicing. This variant has not been reported in the literature in individuals affected with DSCAML1-related conditions. This variant is not present in population databases (gnomAD no frequency). This sequence change falls in intron 5 of the DSCAML1 gene. It does not directly change the encoded amino acid sequence of the DSCAML1 protein. It affects a nucleotide within the consensus splice site.

Literature cited by the submitters: PubMed 17576681; PubMed 9536098.